The following is an entry in ClinVar:

NM_016816.4(OAS1):c.427del (p.Glu143fs)

Gene: OAS1 (2'-5'-oligoadenylate synthetase 1; plus strand). Cytogenetic location: 12q24.13.
Variant type: Deletion.
Coding change: c.427del on transcript NM_016816.4 (MANE Select); coding-DNA position 427, one base deleted (G; older notation c.427delG).
Protein change: p.Glu143fs; shifts the reading frame from glutamic acid 143.
Molecular consequence: frameshift variant. On other transcripts: non-coding transcript variant (9), intron variant (4).
Genome position (GRCh38, 1-based): chr12:112,908,782, G deleted; the last of 4 consecutive G bases (chr12:112,908,779-112,908,782); deleting any one gives the same sequence. VCF-style (leftmost placement, unchanged base first): chr12-112908778-CG-C. GRCh37 (hg19) VCF-style: chr12-113346583-CG-C.
Other names: c.427del, p.Glu143fs (NM_002534.4, NM_001032409.3, NM_001320151.2 and 6 more transcripts); c.180+1563del (NM_001406030.1, NM_001406029.1, NM_001406027.1 and 1 more transcripts); short protein forms E143fs.
Identifiers: ClinVar variation 3664990 (VCV003664990.2).

ClinVar aggregate classification (germline): Uncertain significance (1 of 4 stars; one submission).

Submission:

Labcorp Genetics (formerly Invitae), Labcorp
Classification: Uncertain significance. Last evaluated: 2024-12-18. Review status: criteria provided, single submitter. Criteria: Invitae Variant Classification Sherloc (09022015). Collection method: clinical testing. Allele origin: germline.
Comment: This sequence change creates a premature translational stop signal (p.Glu143Argfs*17) in the OAS1 gene. It is expected to result in an absent or disrupted protein product. However, the current clinical and genetic evidence is not sufficient to establish whether loss-of-function variants in OAS1 cause disease. This variant is present in population databases (no rsID available, gnomAD 0.0009%). This variant has not been reported in the literature in individuals affected with OAS1-related conditions. In summary, the available evidence is currently insufficient to determine the role of this variant in disease. Therefore, it has been classified as a Variant of Uncertain Significance.